The following is an entry in ClinVar:

NM_172351.3(CD46):c.691C>G (p.Pro231Ala)

Gene: CD46 (CD46 molecule; plus strand). Cytogenetic location: 1q32.2.
Variant type: single nucleotide variant.
Coding change: c.691C>G on transcript NM_172351.3 (MANE Select); coding-DNA position 691, C replaced by G.
Protein change: p.Pro231Ala; replaces proline 231 with alanine.
Molecular consequence: missense variant.
Genome position (GRCh38, 1-based): chr1:207,767,030, C>G. VCF-style: chr1-207767030-C-G. GRCh37 (hg19) VCF-style: chr1-207940375-C-G.
Other names: c.691C>G, p.Pro231Ala (NM_002389.4, NM_153826.4, NM_172350.3 and 8 more transcripts); short protein forms P231A.
Identifiers: ClinVar variation 4291173 (VCV004291173.1).

ClinVar aggregate classification (germline): Uncertain significance (1 of 4 stars; one submission).

Conditions:
Atypical hemolytic-uremic syndrome. Identifiers: Orphanet 2134, MedGen C2931788, MONDO:0016244.

Submission:

Genomenon, Inc
Classification: Uncertain significance for Atypical hemolytic-uremic syndrome. Last evaluated: 2025-10-02. Review status: criteria provided, single submitter. Criteria: Genomenon Sequence Variant Interpretation Standards. Collection method: curation. Allele origin: germline. Affected: no.
Comment: CD46 p.Pro231Ala (c.691C>G) is a missense variant that changes the amino acid at residue 231 from Proline to Alanine. This variant has been reported in the published literature (PMID:10960475). It is absent or not present at a significant frequency in gnomAD. In conclusion, we classify CD46 p.Pro231Ala (c.691C>G) as a variant of uncertain significance.

Literature cited by the submitters: PubMed 10960475.